The following is an entry in ClinVar:

ClinVar aggregate classification (germline): Uncertain significance (1 of 4 stars; one submission).

Conditions:
Inborn genetic diseases. Identifiers: MedGen C0950123, MeSH D030342.

Submission:

Ambry Genetics
Classification: Uncertain significance for Inborn genetic diseases. Last evaluated: 2026-03-18. Review status: criteria provided, single submitter. Criteria: Ambry Variant Classification Scheme 2023. Collection method: clinical testing. Allele origin: germline.
Comment: The p.S27N variant (also known as c.80G>A), located in coding exon 1 of the SH2B3 gene, results from a G to A substitution at nucleotide position 80. The serine at codon 27 is replaced by asparagine, an amino acid with highly similar properties. This amino acid position is conserved. In addition, this alteration is predicted to be tolerated by in silico analysis. Based on the available evidence, the clinical significance of this variant remains unclear.

NM_005475.3(SH2B3):c.80G>A (p.Ser27Asn)

Gene: SH2B3 (SH2B adaptor protein 3; plus strand). Cytogenetic location: 12q24.12.
Variant type: single nucleotide variant.
Coding change: c.80G>A on transcript NM_005475.3 (MANE Select); coding-DNA position 80, G replaced by A.
Protein change: p.Ser27Asn; replaces serine 27 with asparagine.
Molecular consequence: missense variant.
Genome position (GRCh38, 1-based): chr12:111,418,225, G>A. VCF-style: chr12-111418225-G-A. GRCh37 (hg19) VCF-style: chr12-111856029-G-A.
Other names: short protein forms S27N.
Identifiers: ClinVar variation 4864387 (VCV004864387.1).